The following is an entry in ClinVar:

ClinVar aggregate classification (germline): Uncertain significance (1 of 4 stars; one submission).

Allele frequency attached by ClinVar (database versions not stated): gnomAD exomes below 0.00001 and 0.00001; TOPMed below 0.00001; gnomAD 0.00001; ExAC 0.00002; 1000 Genomes Project 0.00020; 1000 Genomes Project 30x 0.00031.

Submission:

Labcorp Genetics (formerly Invitae), Labcorp
Classification: Uncertain significance. Last evaluated: 2025-12-21. Review status: criteria provided, single submitter. Criteria: Invitae Variant Classification Sherloc (09022015). Collection method: clinical testing. Allele origin: germline.
Comment: This sequence change falls in intron 4 of the SERPING1 gene. It does not directly change the encoded amino acid sequence of the SERPING1 protein. It affects a nucleotide within the consensus splice site. This variant is present in population databases (rs186141970, gnomAD 0.006%). This variant has not been reported in the literature in individuals affected with SERPING1-related conditions. ClinVar contains an entry for this variant (Variation ID: 1418791). Variants that disrupt the consensus splice site are a relatively common cause of aberrant splicing (PMID: 17576681, 9536098). Algorithms developed to predict the effect of sequence changes on RNA splicing suggest that this variant is not likely to affect RNA splicing. In summary, the available evidence is currently insufficient to determine the role of this variant in disease. Therefore, it has been classified as a Variant of Uncertain Significance.

Literature cited by the submitters: PubMed 17576681; PubMed 9536098.

NM_000062.3(SERPING1):c.685+6T>C

Gene: SERPING1 (serpin family G member 1; plus strand). Cytogenetic location: 11q12.1.
Variant type: single nucleotide variant.
Coding change: c.685+6T>C on transcript NM_000062.3 (MANE Select); 6 bases into the intron after coding-DNA position 685, T replaced by C.
Molecular consequence: intron variant.
Genome position (GRCh38, 1-based): chr11:57,602,175, T>C. VCF-style: chr11-57602175-T-C. GRCh37 (hg19) VCF-style: chr11-57369648-T-C.
Other names: c.685+6T>C (NM_001032295.2).
Identifiers: ClinVar variation 1418791 (VCV001418791.6), dbSNP rs186141970, ClinGen allele CA6008094.
Genomic context (GRCh38, chr11:57,602,175, plus strand): 5'-AAGGGCTTCACGACCAAAGGTGTCACCTCAGTCTCTCAGATCTTCCACAGCCCAGGTGAG[T>C]GCCCAGGAATGGGCAGTGTCTGCAGAGGAGGGTCCTGAGAGGACTCTGAAGGGGGACCCA-3'